The following is an entry in ClinVar:

NM_024408.4(NOTCH2):c.4767G>A (p.Val1589=)

Gene: NOTCH2 (notch receptor 2; minus strand). Cytogenetic location: 1p12.
Variant type: single nucleotide variant.
Coding change: c.4767G>A on transcript NM_024408.4 (MANE Select); coding-DNA position 4767, G replaced by A.
Protein change: p.Val1589=; no amino-acid change (valine 1589 retained).
Molecular consequence: synonymous variant.
Genome position (GRCh38, 1-based): chr1:119,923,729, C>T on the plus strand (G>A on the coding strand, the complement: NOTCH2 is on the minus strand). VCF-style: chr1-119923729-C-T. GRCh37 (hg19) VCF-style: chr1-120466352-C-T.
Identifiers: ClinVar variation 3346608 (VCV003346608.1).
Genomic context (GRCh38, chr1:119,923,729, plus strand): 5'-GGATCTGCGTGTCATCCTCTGTTTCTTCATAGCAGCTGACTTCTCACCATAATAGGGGTA[C>T]ACCATGAGTTCCCCCTGGGAGTCCCGCTTAATGCGCAGGTTGGTGTGGAGCAGGGTACCC-3'
Protein context (NP_077719.2, residues 1579-1599): IKRDSQGELM[Val1589=]YPYYGEKSAA

ClinVar aggregate classification (germline): Likely benign (0 of 4 stars; one submission).

Conditions:
NOTCH2-related disorder. Also called: NOTCH2-related condition.

gnomAD v4.1: 3 of 1,614,188 alleles (0.00019%); highest among the groups gnomAD compares: Admixed American, 0.0017%; no homozygotes.

Submission:

PreventionGenetics, part of Exact Sciences
Classification: Likely benign for NOTCH2-related condition. Last evaluated: 2024-06-06. Review status: no assertion criteria provided. Collection method: clinical testing. Allele origin: germline.
Comment: This variant is classified as likely benign based on ACMG/AMP sequence variant interpretation guidelines (Richards et al. 2015 PMID: 25741868, with internal and published modifications).